The following is an entry in ClinVar:

NM_006129.5(BMP1):c.361GCG[1] (p.Ala122del)

Gene: BMP1 (bone morphogenetic protein 1; plus strand). Cytogenetic location: 8p21.3.
Variant type: Microsatellite.
Coding change: c.361GCG[1] on transcript NM_006129.5 (MANE Select); one copy of the 3-base unit GCG starting at c.361; the reference has two copies in a row; one copy, 3 bases deleted.
Protein change: p.Ala122del; deletes alanine 122.
Molecular consequence: inframe deletion. On other transcripts: non-coding transcript variant (2).
Genome position (GRCh38, 1-based): chr8:22,176,244-22,176,246, GCG deleted; deleting any 3 consecutive bases within chr8:22,176,240-22,176,246 gives the same sequence; the position shown is the placement nearest the transcript's 3' end. VCF-style (leftmost placement, unchanged base first): chr8-22176239-GGGC-G. GRCh37 (hg19) VCF-style: chr8-22033752-GGGC-G.
Other names: c.361GCG[1], p.Ala122del (NM_001199.4); c.364_366delGCG (NM_006129.5); short protein forms A122del.
Identifiers: ClinVar variation 3251324 (VCV003251324.1), dbSNP rs2538976037.

ClinVar aggregate classification (germline): Uncertain significance (1 of 4 stars; one submission).

Submission:

Women's Health and Genetics/Laboratory Corporation of America, LabCorp
Classification: Uncertain significance. Last evaluated: 2024-04-12. Review status: criteria provided, single submitter. Criteria: LabCorp Variant Classification Summary - May 2015. Collection method: clinical testing. Allele origin: germline.
Comment: Variant summary: BMP1 c.364_366delGCG (p.Ala122del) results in an in-frame deletion that is predicted to remove one amino acid from the encoded protein. Consensus agreement among computation tools predict no significant impact on normal splicing. However, these predictions have yet to be confirmed by functional studies. The variant was absent in 250786 control chromosomes (gnomAD). The available data on variant occurrences in the general population are insufficient to allow any conclusion about variant significance. To our knowledge, no occurrence of c.364_366delGCG in individuals affected with Osteogenesis Imperfecta and no experimental evidence demonstrating its impact on protein function have been reported. No submitters have cited clinical-significance assessments for this variant to ClinVar. Based on the evidence outlined above, the variant was classified as uncertain significance.